The following is an entry in ClinVar:

NM_003072.5(SMARCA4):c.1246-14C>T

Gene: SMARCA4 (SWI/SNF related BAF chromatin remodeling complex subunit ATPase 4; plus strand). Cytogenetic location: 19p13.2.
Variant type: single nucleotide variant.
Coding change: c.1246-14C>T on transcript NM_003072.5 (MANE Select); 14 bases into the intron before coding-DNA position 1246, C replaced by T.
Molecular consequence: intron variant.
Genome position (GRCh38, 1-based): chr19:10,991,136, C>T. VCF-style: chr19-10991136-C-T. GRCh37 (hg19) VCF-style: chr19-11101812-C-T.
Other names: c.1246-14C>T (NM_001128844.3, NM_001128849.3, NM_001128847.4 and 5 more transcripts).
Identifiers: ClinVar variation 1417075 (VCV001417075.9), dbSNP rs974348168, ClinGen allele CA305289166.
Genomic context (GRCh38, chr19:10,991,136, plus strand): 5'-TCACCATACGTGTTTGTCATTGTGGATGCCACAGAGCTGTGCAGTGCGCGGGCTTGTCCT[C>T]TTCCCTCCTACAGCTGCGCCAGGAGGTGGTGGTGTGCATGCGGAGGGACACAGCGCTGGA-3'

ClinVar aggregate classification (germline): Benign/Likely benign. Review status: criteria provided, multiple submitters, no conflicts (2 of 4 stars). 2 submissions from 2 submitters: Benign (1); Likely benign (1). Last evaluated 2026-07-09.

Conditions:
Rhabdoid tumor predisposition syndrome 2 (RTPS2). Identifiers: Orphanet 231108, Orphanet 69077, MedGen C2750074, MONDO:0013224, OMIM 613325.

Allele frequency attached by ClinVar (database versions not stated): gnomAD exomes 0.00001; gnomAD 0.00001 and 0.00002; TOPMed 0.00002.
gnomAD v4.1: 22 of 1,613,086 alleles (0.0014%); highest among the groups gnomAD compares: Non-Finnish European, 0.0018%; no homozygotes.

Submissions (2):

Myriad Genetics, Inc.
Classification: Benign for Rhabdoid tumor predisposition syndrome 2. Last evaluated: 2026-07-09. Review status: criteria provided, single submitter. Criteria: Myriad Autosomal Dominant, Autosomal Recessive and X-Linked Classification Criteria (2023). Collection method: clinical testing. Allele origin: unknown.
Comment: This variant is considered benign. This variant is intronic and is not expected to impact mRNA splicing. This variant has been observed at a population frequency that is significantly greater than expected given the associated disease prevalence and penetrance.

Labcorp Genetics (formerly Invitae), Labcorp
Classification: Likely benign for Rhabdoid tumor predisposition syndrome 2. Last evaluated: 2025-11-05. Review status: criteria provided, single submitter. Criteria: Invitae Variant Classification Sherloc (09022015). Collection method: clinical testing. Allele origin: germline.